The following is an entry in ClinVar:

NM_000551.4(VHL):c.56G>A (p.Gly19Asp)

Gene: VHL (von Hippel-Lindau tumor suppressor; plus strand). Cytogenetic location: 3p25.3.
Variant type: single nucleotide variant.
Coding change: c.56G>A on transcript NM_000551.4 (MANE Select); coding-DNA position 56, G replaced by A.
Protein change: p.Gly19Asp; replaces glycine 19 with aspartic acid.
Molecular consequence: missense variant. On other transcripts: non-coding transcript variant (1).
Genome position (GRCh38, 1-based): chr3:10,141,903, G>A. VCF-style: chr3-10141903-G-A. GRCh37 (hg19) VCF-style: chr3-10183587-G-A.
Other names: c.56G>A, p.Gly19Asp (NM_001354723.2, NM_198156.3); short protein forms G19D.
Identifiers: ClinVar variation 3332040 (VCV003332040.1).
Genomic context (GRCh38, chr3:10,141,903, plus strand): 5'-AGGGAATGCCCCGGAGGGCGGAGAACTGGGACGAGGCCGAGGTAGGCGCGGAGGAGGCAG[G>A]CGTCGAAGAGTACGGCCCTGAAGAAGACGGCGGGGAGGAGTCGGGCGCCGAGGAGTCCGG-3'
Protein context (NP_000542.1, residues 9-29): DEAEVGAEEA[Gly19Asp]VEEYGPEEDG

ClinVar aggregate classification (germline): Uncertain significance (1 of 4 stars; one submission).

Conditions:
Hereditary cancer-predisposing syndrome. Also called: Neoplastic Syndromes, Hereditary; Tumor predisposition; Hereditary neoplastic syndrome; Hereditary Cancer Syndrome. Identifiers: Orphanet 140162, MedGen C0027672, MeSH D009386, MONDO:0015356.

Submission:

Ambry Genetics
Classification: Uncertain significance for Hereditary cancer-predisposing syndrome. Last evaluated: 2024-05-02. Review status: criteria provided, single submitter. Criteria: Ambry Variant Classification Scheme 2023. Collection method: clinical testing. Allele origin: germline.
Comment: The p.G19D variant (also known as c.56G>A), located in coding exon 1 of the VHL gene, results from a G to A substitution at nucleotide position 56. The glycine at codon 19 is replaced by aspartic acid, an amino acid with similar properties. This amino acid position is well conserved in available vertebrate species. In addition, this alteration is predicted to be tolerated by in silico analysis. Based on the available evidence, the clinical significance of this variant remains unclear.